The following is an entry in ClinVar:

NM_001042492.3(NF1):c.7492A>T (p.Lys2498Ter)

Gene: NF1 (neurofibromin 1; plus strand). Cytogenetic location: 17q11.2.
Variant type: single nucleotide variant.
Coding change: c.7492A>T on transcript NM_001042492.3 (MANE Select); coding-DNA position 7492, A replaced by T.
Protein change: p.Lys2498Ter; replaces lysine 2498 with a stop codon.
Molecular consequence: nonsense.
Genome position (GRCh38, 1-based): chr17:31,352,291, A>T. VCF-style: chr17-31352291-A-T. GRCh37 (hg19) VCF-style: chr17-29679309-A-T.
Other names: c.7429A>T, p.Lys2477Ter (NM_000267.4); short protein forms K2498*, K2477*.
Identifiers: ClinVar variation 3641057 (VCV003641057.2).
Genomic context (GRCh38, chr17:31,352,291, plus strand): 5'-TTTTCTCTATTGTTTTCATCTTTCAGGACACTAAAGGAGACTCAGCCATGGTCCTCTCCC[A>T]AAGGTTCTGAAGGATACCTTGCAGCCACCTATCCAACTGTCGGCCAGACCAGTCCCCGAG-3'

ClinVar aggregate classification (germline): Pathogenic (1 of 4 stars; one submission).

Conditions:
Neurofibromatosis, type 1 (NF1). Also called: Peripheral type neurofibromatosis; VON RECKLINGHAUSEN DISEASE; Neurofibromatosis, type I; NEUROFIBROMATOSIS, TYPE I, SOMATIC. Identifiers: Orphanet 636, MedGen C0027831, MONDO:0018975, OMIM 162200. Disease mechanism: loss of function.

Submission:

Labcorp Genetics (formerly Invitae), Labcorp
Classification: Pathogenic for Neurofibromatosis, type 1. Last evaluated: 2024-02-26. Review status: criteria provided, single submitter. Criteria: Invitae Variant Classification Sherloc (09022015). Collection method: clinical testing. Allele origin: germline.
Comment: This sequence change creates a premature translational stop signal (p.Lys2477*) in the NF1 gene. It is expected to result in an absent or disrupted protein product. Loss-of-function variants in NF1 are known to be pathogenic (PMID: 10712197, 23913538). This variant is not present in population databases (gnomAD no frequency). This variant has not been reported in the literature in individuals affected with NF1-related conditions. For these reasons, this variant has been classified as Pathogenic.

Literature cited by the submitters: PubMed 10712197; PubMed 23913538.